The following is an entry in ClinVar:

NM_000702.4(ATP1A2):c.3034+6C>A

Gene: ATP1A2 (ATPase Na+/K+ transporting subunit alpha 2; plus strand). Cytogenetic location: 1q23.2.
Variant type: single nucleotide variant.
Coding change: c.3034+6C>A on transcript NM_000702.4 (MANE Select); 6 bases into the intron after coding-DNA position 3034, C replaced by A.
Molecular consequence: intron variant.
Genome position (GRCh38, 1-based): chr1:160,139,990, C>A. VCF-style: chr1-160139990-C-A. GRCh37 (hg19) VCF-style: chr1-160109780-C-A.
Identifiers: ClinVar variation 195658 (VCV000195658.16), dbSNP rs574788908, ClinGen allele CA242177.

ClinVar aggregate classification (germline): Conflicting classifications of pathogenicity. Review status: criteria provided, conflicting classifications (1 of 4 stars). 4 submissions from 4 submitters: Uncertain significance (1); Benign (2); Likely benign (1). Last evaluated 2026-01-11.

Conditions:
Familial hemiplegic migraine. Identifiers: MedGen C0338484, MONDO:0000700.

Allele frequency attached by ClinVar (database versions not stated): gnomAD 0.00001 and 0.00021; TOPMed 0.00003; gnomAD exomes 0.00090; ExAC 0.00111; 1000 Genomes Project 30x 0.00187; 1000 Genomes Project 0.00200.

Submissions (4):

Labcorp Genetics (formerly Invitae), Labcorp
Classification: Benign for Familial hemiplegic migraine. Last evaluated: 2026-01-11. Review status: criteria provided, single submitter. Criteria: Invitae Variant Classification Sherloc (09022015). Collection method: clinical testing. Allele origin: germline.

Blueprint Genetics
Classification: Likely benign. Last evaluated: 2024-09-18. Review status: criteria provided, single submitter. Criteria: ACMG Guidelines, 2015. Collection method: clinical testing. Allele origin: germline.

GeneDx
Classification: Benign. Last evaluated: 2015-04-09. Review status: criteria provided, single submitter. Criteria: GeneDx Variant Classification (06012015). Collection method: clinical testing. Allele origin: germline. Affected: yes.
Comment: This variant is considered likely benign or benign based on one or more of the following criteria: it is a conservative change, it occurs at a poorly conserved position in the protein, it is predicted to be benign by multiple in silico algorithms, and/or has population frequency not consistent with disease.

Eurofins Ntd Llc (ga)
Classification: Uncertain significance. Last evaluated: 2014-07-21. Review status: criteria provided, single submitter. Criteria: EGL Classification Definitions 2015. Collection method: clinical testing. Allele origin: germline. Observed: 1 variant allele, 1 heterozygote.